The following is an entry in ClinVar:

ClinVar aggregate classification (germline): Uncertain significance (1 of 4 stars; one submission).

Conditions:
Dilated cardiomyopathy 1J (CMD1J). Also called: CARDIOMYOPATHY, DILATED, WITH SENSORINEURAL HEARING LOSS, AUTOSOMAL DOMINANT. Identifiers: Orphanet 217622, MedGen C1854368, MONDO:0011541, OMIM 605362.

Submission:

Labcorp Genetics (formerly Invitae), Labcorp
Classification: Uncertain significance for Dilated cardiomyopathy 1J. Last evaluated: 2024-08-29. Review status: criteria provided, single submitter. Criteria: Invitae Variant Classification Sherloc (09022015). Collection method: clinical testing. Allele origin: germline.
Comment: This sequence change falls in intron 15 of the EYA4 gene. It does not directly change the encoded amino acid sequence of the EYA4 protein. It affects a nucleotide within the consensus splice site. This variant is not present in population databases (gnomAD no frequency). This variant has not been reported in the literature in individuals affected with EYA4-related conditions. Variants that disrupt the consensus splice site are a relatively common cause of aberrant splicing (PMID: 17576681, 9536098). Algorithms developed to predict the effect of sequence changes on RNA splicing suggest that this variant may disrupt the consensus splice site. In summary, the available evidence is currently insufficient to determine the role of this variant in disease. Therefore, it has been classified as a Variant of Uncertain Significance.

Literature cited by the submitters: PubMed 17576681; PubMed 9536098.

NM_004100.5(EYA4):c.1341-3C>T

Genes: EYA4 (EYA transcriptional coactivator and phosphatase 4; plus strand), TARID (TCF21 antisense RNA inducing promoter demethylation; minus strand). Cytogenetic location: 6q23.2.
Variant type: single nucleotide variant.
Coding change: c.1341-3C>T on transcript NM_004100.5 (MANE Select); 3 bases into the intron before coding-DNA position 1341, C replaced by T.
Molecular consequence: intron variant.
Genome position (GRCh38, 1-based): chr6:133,512,875, C>T. VCF-style: chr6-133512875-C-T. GRCh37 (hg19) VCF-style: chr6-133834013-C-T.
Other names: c.1359-3C>T (NM_001301013.2); c.1341-3C>T (NM_172105.4); c.1272-3C>T (NM_001370458.1, NM_172103.4); c.1197-3C>T (NM_001370459.1); c.1179-3C>T (NM_001301012.2).
Identifiers: ClinVar variation 3673598 (VCV003673598.2).